The following is an entry in ClinVar:

ClinVar aggregate classification (germline): Likely benign. Review status: criteria provided, multiple submitters, no conflicts (2 of 4 stars). 3 submissions from 3 submitters: Likely benign (3). Last evaluated 2025-11-11.

Conditions:
Tuberous sclerosis syndrome (TSC). Also called: Tuberous Sclerosis Complex; Tuberous sclerosis. Identifiers: Orphanet 805, MedGen C0041341, MONDO:0001734.
Tuberous sclerosis 1 (TSC1). Identifiers: Orphanet 805, MedGen C1854465, MONDO:0008612, OMIM 191100.

Submissions (3):

Labcorp Genetics (formerly Invitae), Labcorp
Classification: Likely benign for Tuberous sclerosis 1. Last evaluated: 2025-11-11. Review status: criteria provided, single submitter. Criteria: Invitae Variant Classification Sherloc (09022015). Collection method: clinical testing. Allele origin: germline.

Myriad Genetics, Inc.
Classification: Likely benign for Tuberous sclerosis 1. Last evaluated: 2025-04-28. Review status: criteria provided, single submitter. Criteria: Myriad Autosomal Dominant, Autosomal Recessive and X-Linked Classification Criteria (2023). Collection method: clinical testing. Allele origin: unknown.
Comment: This variant is considered likely benign. This variant is intronic and is not expected to impact mRNA splicing.

All of Us Research Program, National Institutes of Health
Classification: Likely benign for Tuberous sclerosis syndrome. Last evaluated: 2023-11-02. Review status: criteria provided, single submitter. Criteria: ACMG Guidelines, 2015. Collection method: clinical testing. Allele origin: germline. Inheritance: Autosomal dominant inheritance. Observed: 1 variant allele, 1 heterozygote.
Comment: This study involves interpretation of variants in research participants for the purpose of population health screening. Participant phenotype was not available at the time of variant classification. Additional details can be found in publication PMID: 35346344, PMCID: PMC8962531

NM_000368.5(TSC1):c.2626-6_2626-5insTC

Gene: TSC1 (TSC complex subunit 1; minus strand). Cytogenetic location: 9q34.13.
Variant type: Insertion.
Coding change: c.2626-6_2626-5insTC on transcript NM_000368.5 (MANE Select); 6 bases into the intron before coding-DNA position 2626 through 5 bases into the intron before coding-DNA position 2626, TC inserted.
Molecular consequence: intron variant.
Genome position: GRCh38 VCF-style: chr9-132897615-A-AAG. GRCh37 (hg19) VCF-style: chr9-135773002-A-AAG.
Other names: c.2263-6_2263-5insTC (NM_001362177.2); c.2473-6_2473-5insTC (NM_001162427.2); c.2623-6_2623-5insTC (NM_001162426.2).
Identifiers: ClinVar variation 764464 (VCV000764464.12), dbSNP rs1256355250, ClinGen allele CA915947227.